The following is an entry in ClinVar:

ClinVar aggregate classification (germline): Pathogenic/Likely pathogenic. Review status: criteria provided, multiple submitters, no conflicts (2 of 4 stars). 5 submissions from 5 submitters: Pathogenic (2); Likely pathogenic (3). Last evaluated 2025-08-10.

Conditions:
Cardiovascular phenotype. Identifiers: MedGen CN230736.
Walker-Warburg congenital muscular dystrophy. Also called: Muscular dystrophy-dystroglycanopathy, type A; Walker-Warburg syndrome. Identifiers: Orphanet 899, MedGen C0265221, MONDO:0000171.
Dilated cardiomyopathy 1X (CMD1X). Also called: FKTN-Related Dilated Cardiomyopathy; CARDIOMYOPATHY, DILATED, WITH MILD OR NO PROXIMAL MUSCLE WEAKNESS. Identifiers: Orphanet 154, MedGen C1969024, MONDO:0012704, OMIM 611615.

Submissions (5):

Natera, Inc.
Classification: Likely pathogenic for Walker-Warburg congenital muscular dystrophy. Last evaluated: 2025-08-10. Review status: criteria provided, single submitter. Criteria: Natera Variant Classification Schema (03/2026). Collection method: clinical testing. Allele origin: germline.
Comment: The c.756T>A variant in FKTN is a nonsense variant predicted to introduce a stop codon at amino acid 252. This variant is expected to result in nonsense mediated decay, truncation, or a dysfunctional protein product. This variant is rare in the general population with a frequency below the threshold expected for the associated phenotype(s). Given the available evidence, this variant is classified as Likely Pathogenic.

GeneDx
Classification: Likely pathogenic. Last evaluated: 2023-10-23. Review status: criteria provided, single submitter. Criteria: GeneDx Variant Classification Process June 2021. Collection method: clinical testing. Allele origin: germline. Affected: yes.
Comment: Nonsense variant predicted to result in protein truncation or nonsense mediated decay in a gene for which loss of function is a known mechanism of disease; Not observed at significant frequency in large population cohorts (gnomAD); Has not been previously published as pathogenic or benign to our knowledge

Baylor Genetics
Classification: Likely pathogenic for Dilated cardiomyopathy 1X. Last evaluated: 2023-07-23. Review status: criteria provided, single submitter. Criteria: ACMG Guidelines, 2015. Collection method: clinical testing. Allele origin: unknown.

Labcorp Genetics (formerly Invitae), Labcorp
Classification: Pathogenic for Walker-Warburg congenital muscular dystrophy. Last evaluated: 2023-06-09. Review status: criteria provided, single submitter. Criteria: Invitae Variant Classification Sherloc (09022015). Collection method: clinical testing. Allele origin: germline.
Comment: For these reasons, this variant has been classified as Pathogenic. ClinVar contains an entry for this variant (Variation ID: 620364). This variant has not been reported in the literature in individuals affected with FKTN-related conditions. This variant is not present in population databases (gnomAD no frequency). This sequence change creates a premature translational stop signal (p.Tyr252*) in the FKTN gene. It is expected to result in an absent or disrupted protein product. Loss-of-function variants in FKTN are known to be pathogenic (PMID: 17044012, 17878207, 18752264).

Ambry Genetics
Classification: Pathogenic for Cardiovascular phenotype. Last evaluated: 2023-03-13. Review status: criteria provided, single submitter. Criteria: Ambry Variant Classification Scheme 2023. Collection method: clinical testing. Allele origin: germline.
Comment: The p.Y252* pathogenic mutation (also known as c.756T>A), located in coding exon 5 of the FKTN gene, results from a T to A substitution at nucleotide position 756. This changes the amino acid from a tyrosine to a stop codon within coding exon 5. This variant is considered to be rare based on population cohorts in the Genome Aggregation Database (gnomAD). This alteration is expected to result in loss of function by premature protein truncation or nonsense-mediated mRNA decay. As such, this alteration is interpreted as a disease-causing mutation.

Literature cited by the submitters: PubMed 17044012 (cited by Labcorp Genetics (formerly Invitae), Labcorp); PubMed 17878207 (cited by Labcorp Genetics (formerly Invitae), Labcorp); PubMed 18752264 (cited by Labcorp Genetics (formerly Invitae), Labcorp).

NM_001079802.2(FKTN):c.756T>A (p.Tyr252Ter)

Gene: FKTN (fukutin; plus strand). Cytogenetic location: 9q31.2.
Variant type: single nucleotide variant.
Coding change: c.756T>A on transcript NM_001079802.2 (MANE Select); coding-DNA position 756, T replaced by A.
Protein change: p.Tyr252Ter; replaces tyrosine 252 with a stop codon.
Molecular consequence: nonsense. On other transcripts: non-coding transcript variant (2).
Genome position (GRCh38, 1-based): chr9:105,607,927, T>A. VCF-style: chr9-105607927-T-A. GRCh37 (hg19) VCF-style: chr9-108370208-T-A.
Other names: c.756T>A, p.Tyr252Ter (NM_001198963.2, NM_001351496.2, NM_001351498.2 and 1 more transcripts); c.687T>A, p.Tyr229Ter (NM_001351497.2); c.360T>A, p.Tyr120Ter (NM_001351499.2, NM_001351500.2, NM_001351501.2 and 1 more transcripts); short protein forms Y252*, Y229*, Y120*.
Identifiers: ClinVar variation 620364 (VCV000620364.11), dbSNP rs1564301594, ClinGen allele CA374332691.